The following is an entry in ClinVar:

ClinVar aggregate classification (germline): Likely benign. Review status: criteria provided, multiple submitters, no conflicts (2 of 4 stars). 3 submissions from 3 submitters: Likely benign (3). Last evaluated 2024-11-26.

Allele frequency attached by ClinVar (database versions not stated): gnomAD 0.00025; TOPMed 0.00027; ESP Exome Variant Server 0.00062.
gnomAD v4.1: 589 of 1,613,422 alleles (0.037%); highest among the groups gnomAD compares: Non-Finnish European, 0.046%; no homozygotes.

Submissions (3):

Blueprint Genetics
Classification: Likely benign. Last evaluated: 2024-11-26. Review status: criteria provided, single submitter. Criteria: ACMG Guidelines, 2015. Collection method: clinical testing. Allele origin: germline.

CeGaT Center for Human Genetics Tuebingen
Classification: Likely benign. Last evaluated: 2022-12-01. Review status: criteria provided, single submitter. Criteria: CeGaT Center For Human Genetics Tuebingen Variant Classification Criteria Version 2. Collection method: clinical testing. Allele origin: germline. Affected: yes. Observed: 1 variant allele.
Comment: CELSR1: BP4

Labcorp Genetics (formerly Invitae), Labcorp
Classification: Likely benign. Last evaluated: 2019-12-31. Review status: criteria provided, single submitter. Criteria: Invitae Variant Classification Sherloc (09022015). Collection method: clinical testing. Allele origin: germline.

NM_001378328.1(CELSR1):c.7806C>T (p.Phe2602=)

Gene: CELSR1 (cadherin EGF LAG seven-pass G-type receptor 1; minus strand). Cytogenetic location: 22q13.31.
Variant type: single nucleotide variant.
Coding change: c.7806C>T on transcript NM_001378328.1 (MANE Select); coding-DNA position 7806, C replaced by T.
Protein change: p.Phe2602=; no amino-acid change (phenylalanine 2602 retained).
Molecular consequence: synonymous variant.
Genome position (GRCh38, 1-based): chr22:46,369,758, G>A on the plus strand (C>T on the coding strand, the complement: CELSR1 is on the minus strand). VCF-style: chr22-46369758-G-A. GRCh37 (hg19) VCF-style: chr22-46765655-G-A.
Other names: c.7806C>T, p.Phe2602= (NM_014246.4).
Identifiers: ClinVar variation 715988 (VCV000715988.29), dbSNP rs139030774, ClinGen allele CA10293176.
Genomic context (GRCh38, chr22:46,369,758, plus strand): 5'-AACAGCTCCGATGGGCCCCGCAAAGCTCCAAATCAGGGTGTCTTGAAGCGACAGCCAGCA[G>A]AAGTCGGGGTTCCCGTAGCCCTGGGGGTCCAGGCCGACCGCCAGTCCTGAACACAGCGGG-3'
Protein context (NP_001365257.1, residues 2592-2612): LDPQGYGNPD[Phe2602=]CWLSLQDTLI